The following is an entry in ClinVar:

NM_181426.2(CCDC39):c.1696C>T (p.Leu566Phe)

Gene: CCDC39 (coiled-coil domain 39 molecular ruler complex subunit; minus strand). Cytogenetic location: 3q26.33.
Variant type: single nucleotide variant.
Coding change: c.1696C>T on transcript NM_181426.2 (MANE Select); coding-DNA position 1696, C replaced by T.
Protein change: p.Leu566Phe; replaces leucine 566 with phenylalanine.
Molecular consequence: missense variant.
Genome position (GRCh38, 1-based): chr3:180,642,171, G>A on the plus strand (C>T on the coding strand, the complement: CCDC39 is on the minus strand). VCF-style: chr3-180642171-G-A. GRCh37 (hg19) VCF-style: chr3-180359959-G-A.
Other names: short protein forms L566F.
Identifiers: ClinVar variation 2053397 (VCV002053397.4), dbSNP rs1225593392, ClinGen allele CA355309199.

ClinVar aggregate classification (germline): Uncertain significance (1 of 4 stars; one submission).

Conditions:
Primary ciliary dyskinesia. Also called: Ciliary dyskinesia. Identifiers: Orphanet 244, MedGen C0008780, MONDO:0016575, HP:0012265.

Submission:

Labcorp Genetics (formerly Invitae), Labcorp
Classification: Uncertain significance for Primary ciliary dyskinesia. Last evaluated: 2022-09-19. Review status: criteria provided, single submitter. Criteria: Invitae Variant Classification Sherloc (09022015). Collection method: clinical testing. Allele origin: germline.
Comment: In summary, the available evidence is currently insufficient to determine the role of this variant in disease. Therefore, it has been classified as a Variant of Uncertain Significance. Algorithms developed to predict the effect of missense changes on protein structure and function are either unavailable or do not agree on the potential impact of this missense change (SIFT: "Deleterious"; PolyPhen-2: "Possibly Damaging"; Align-GVGD: "Class C0"). This variant has not been reported in the literature in individuals affected with CCDC39-related conditions. This variant is not present in population databases (gnomAD no frequency). This sequence change replaces leucine, which is neutral and non-polar, with phenylalanine, which is neutral and non-polar, at codon 566 of the CCDC39 protein (p.Leu566Phe).